The following is an entry in ClinVar:

ClinVar aggregate classification (germline): Uncertain significance (1 of 4 stars; one submission).

Allele frequency attached by ClinVar (database versions not stated): TOPMed below 0.00001; gnomAD exomes 0.00001; ESP Exome Variant Server 0.00008.
gnomAD v4.1: 14 of 1,614,064 alleles (0.00087%); highest among the groups gnomAD compares: Non-Finnish European, 0.0011%; no homozygotes.

Submission:

Ambry Genetics
Classification: Uncertain significance. Last evaluated: 2024-04-06. Review status: criteria provided, single submitter. Criteria: Ambry Variant Classification Scheme 2023. Collection method: clinical testing. Allele origin: germline.
Comment: The p.C42Y variant (also known as c.125G>A), located in coding exon 1 of the EGLN2 gene, results from a G to A substitution at nucleotide position 125. The cysteine at codon 42 is replaced by tyrosine, an amino acid with highly dissimilar properties. This amino acid position is conserved. In addition, this alteration is predicted to be tolerated by in silico analysis. Since supporting evidence is limited at this time, the clinical significance of this alteration remains unclear.

NM_080732.4(EGLN2):c.125G>A (p.Cys42Tyr)

Genes: EGLN2 (egl-9 family hypoxia inducible factor 2; plus strand), RAB4B-EGLN2 (RAB4B-EGLN2 readthrough (NMD candidate); plus strand). Cytogenetic location: 19q13.2.
Variant type: single nucleotide variant.
Coding change: c.125G>A on transcript NM_080732.4 (MANE Select); coding-DNA position 125, G replaced by A.
Protein change: p.Cys42Tyr; replaces cysteine 42 with tyrosine.
Molecular consequence: missense variant. On other transcripts: non-coding transcript variant (1).
Genome position (GRCh38, 1-based): chr19:40,800,697, G>A. VCF-style: chr19-40800697-G-A. GRCh37 (hg19) VCF-style: chr19-41306602-G-A.
Other names: c.125G>A, p.Cys42Tyr (NM_053046.4); short protein forms C42Y.
Identifiers: ClinVar variation 1762759 (VCV001762759.3), dbSNP rs374175414, ClinGen allele CA308486971.